The following is an entry in ClinVar:

ClinVar aggregate classification (germline): Uncertain significance. Review status: criteria provided, multiple submitters, no conflicts (2 of 4 stars). 3 submissions from 3 submitters: Uncertain significance (3). Last evaluated 2025-04-21.

Conditions:
Baller-Gerold syndrome (BGS). Also called: CRANIOSYNOSTOSIS WITH RADIAL DEFECTS. Identifiers: Orphanet 1225, MedGen C0265308, MONDO:0009039, OMIM 218600.
Rapadilino syndrome. Identifiers: Orphanet 3021, MedGen C1849453, MONDO:0009955, OMIM 266280.
Rothmund-Thomson syndrome type 2 (RTS2). Identifiers: Orphanet 221016, MedGen C5203410, MONDO:0016369, OMIM 268400.
Inborn genetic diseases. Identifiers: MedGen C0950123, MeSH D030342.

Allele frequency attached by ClinVar (database versions not stated): gnomAD exomes below 0.00001; TOPMed below 0.00001; gnomAD 0.00001; ESP Exome Variant Server 0.00008.
gnomAD v4.1: 4 of 1,609,978 alleles (0.00025%); highest among the groups gnomAD compares: Non-Finnish European, 0.00034%; no homozygotes.

Submissions (3):

Ambry Genetics
Classification: Uncertain significance for Inborn genetic diseases. Last evaluated: 2025-04-21. Review status: criteria provided, single submitter. Criteria: Ambry Variant Classification Scheme 2023. Collection method: clinical testing. Allele origin: germline.
Comment: The p.Q253R variant (also known as c.758A>G), located in coding exon 5 of the RECQL4 gene, results from an A to G substitution at nucleotide position 758. The glutamine at codon 253 is replaced by arginine, an amino acid with highly similar properties. This amino acid position is conserved. In addition, this alteration is predicted to be tolerated by in silico analysis. Based on the available evidence, the clinical significance of this variant remains unclear.

Labcorp Genetics (formerly Invitae), Labcorp
Classification: Uncertain significance for Baller-Gerold syndrome. Last evaluated: 2024-03-06. Review status: criteria provided, single submitter. Criteria: Invitae Variant Classification Sherloc (09022015). Collection method: clinical testing. Allele origin: germline.
Comment: This sequence change replaces glutamine, which is neutral and polar, with arginine, which is basic and polar, at codon 253 of the RECQL4 protein (p.Gln253Arg). This variant is not present in population databases (gnomAD no frequency). This variant has not been reported in the literature in individuals affected with RECQL4-related conditions. ClinVar contains an entry for this variant (Variation ID: 1051773). Advanced modeling of protein sequence and biophysical properties (such as structural, functional, and spatial information, amino acid conservation, physicochemical variation, residue mobility, and thermodynamic stability) performed at Invitae indicates that this missense variant is not expected to disrupt RECQL4 protein function with a negative predictive value of 80%. In summary, the available evidence is currently insufficient to determine the role of this variant in disease. Therefore, it has been classified as a Variant of Uncertain Significance.

Fulgent Genetics
Classification: Uncertain significance for Baller-Gerold syndrome; Rapadilino syndrome; Rothmund-Thomson syndrome type 2. Last evaluated: 2021-10-31. Review status: criteria provided, single submitter. Criteria: ACMG Guidelines, 2015. Collection method: clinical testing. Allele origin: unknown.

NM_004260.4(RECQL4):c.758A>G (p.Gln253Arg)

Gene: RECQL4 (RecQ like helicase 4; minus strand). Cytogenetic location: 8q24.3.
Variant type: single nucleotide variant.
Coding change: c.758A>G on transcript NM_004260.4 (MANE Select); coding-DNA position 758, A replaced by G.
Protein change: p.Gln253Arg; replaces glutamine 253 with arginine.
Molecular consequence: missense variant.
Genome position (GRCh38, 1-based): chr8:144,516,361, T>C on the plus strand (A>G on the coding strand, the complement: RECQL4 is on the minus strand). VCF-style: chr8-144516361-T-C. GRCh37 (hg19) VCF-style: chr8-145741745-T-C.
Other names: c.758A>G (NM_004260.3); short protein forms Q253R.
Identifiers: ClinVar variation 1051773 (VCV001051773.5), dbSNP rs373588660, ClinGen allele CA187688947.